The following is an entry in ClinVar:

ClinVar aggregate classification (germline): Uncertain significance. Review status: criteria provided, multiple submitters, no conflicts (2 of 4 stars). 2 submissions from 2 submitters: Uncertain significance (2). Last evaluated 2025-02-26.

Allele frequency attached by ClinVar (database versions not stated): TOPMed 0.00001; ExAC 0.00002; gnomAD 0.00002; gnomAD exomes 0.00002.

Submissions (2):

Mayo Clinic Laboratories, Mayo Clinic
Classification: Uncertain significance. Last evaluated: 2025-02-26. Review status: criteria provided, single submitter. Criteria: ACMG Guidelines, 2015. Collection method: clinical testing. Allele origin: germline. Observed: 1 variant allele.
Comment: BP4

Labcorp Genetics (formerly Invitae), Labcorp
Classification: Uncertain significance. Last evaluated: 2023-09-07. Review status: criteria provided, single submitter. Criteria: Invitae Variant Classification Sherloc (09022015). Collection method: clinical testing. Allele origin: germline.
Comment: In summary, the available evidence is currently insufficient to determine the role of this variant in disease. Therefore, it has been classified as a Variant of Uncertain Significance. Advanced modeling of protein sequence and biophysical properties (such as structural, functional, and spatial information, amino acid conservation, physicochemical variation, residue mobility, and thermodynamic stability) performed at Invitae indicates that this missense variant is not expected to disrupt DUOX2 protein function. This missense change has been observed in individual(s) with DUOX2-related conditions (PMID: 33651715). This variant is present in population databases (rs774131672, gnomAD 0.004%). This sequence change replaces valine, which is neutral and non-polar, with glycine, which is neutral and non-polar, at codon 730 of the DUOX2 protein (p.Val730Gly).

Literature cited by the submitters: PubMed 33651715 (cited by Mayo Clinic Laboratories, Mayo Clinic and Labcorp Genetics (formerly Invitae), Labcorp).

NM_001363711.2(DUOX2):c.2189T>G (p.Val730Gly)

Gene: DUOX2 (dual oxidase 2; minus strand). Cytogenetic location: 15q21.1.
Variant type: single nucleotide variant.
Coding change: c.2189T>G on transcript NM_001363711.2 (MANE Select); coding-DNA position 2189, T replaced by G.
Protein change: p.Val730Gly; replaces valine 730 with glycine.
Molecular consequence: missense variant.
Genome position (GRCh38, 1-based): chr15:45,105,788, A>C on the plus strand (T>G on the coding strand, the complement: DUOX2 is on the minus strand). VCF-style: chr15-45105788-A-C. GRCh37 (hg19) VCF-style: chr15-45397986-A-C.
Other names: p.Val730Gly; c.2189T>G (NM_014080.4); c.2189T>G, p.Val730Gly (NM_014080.5); short protein forms V730G.
Identifiers: ClinVar variation 2969685 (VCV002969685.4), dbSNP rs774131672, ClinGen allele CA7538333.